The following is an entry in ClinVar:

NM_198173.3(GRHL3):c.1286-2A>G

Gene: GRHL3 (grainyhead like transcription factor 3; plus strand). Cytogenetic location: 1p36.11.
Variant type: single nucleotide variant.
Coding change: c.1286-2A>G on transcript NM_198173.3 (MANE Select); the canonical splice acceptor site of the intron before coding-DNA position 1286, A replaced by G.
Molecular consequence: splice acceptor variant.
Genome position (GRCh38, 1-based): chr1:24,342,890, A>G. VCF-style: chr1-24342890-A-G. GRCh37 (hg19) VCF-style: chr1-24669380-A-G.
Other names: c.1286-2A>G (NM_198174.3); c.1148-2A>G (NM_001195010.2); c.1301-2A>G (NM_021180.4).
Identifiers: ClinVar variation 4993131 (VCV004993131.1).

ClinVar aggregate classification (germline): Likely pathogenic (1 of 4 stars; one submission).

Conditions:
GRHL3-related disorder. Also called: GRHL3-related condition.

Submission:

PreventionGenetics, part of Exact Sciences
Classification: Likely pathogenic for GRHL3-related condition. Last evaluated: 2025-10-10. Review status: criteria provided, single submitter. Criteria: ACMG Guidelines, 2015. Collection method: clinical testing. Allele origin: germline.
Comment: The GRHL3 c.1286-2A>G variant is predicted to disrupt the AG splice acceptor site and interfere with normal splicing. To our knowledge, this variant has not been reported in the literature or in a large population database (gnomAD), indicating this variant is rare. Variants that disrupt the consensus splice acceptor site in GRHL3 are expected to be pathogenic. This variant is interpreted as likely pathogenic.